The following is an entry in ClinVar:

NM_001377.3(DYNC2H1):c.10910A>G (p.Tyr3637Cys)

Gene: DYNC2H1 (dynein cytoplasmic 2 heavy chain 1; plus strand). Cytogenetic location: 11q22.3.
Variant type: single nucleotide variant.
Coding change: c.10910A>G on transcript NM_001377.3 (MANE Select); coding-DNA position 10910, A replaced by G.
Protein change: p.Tyr3637Cys; replaces tyrosine 3637 with cysteine.
Molecular consequence: missense variant.
Genome position (GRCh38, 1-based): chr11:103,286,274, A>G. VCF-style: chr11-103286274-A-G. GRCh37 (hg19) VCF-style: chr11-103157003-A-G.
Other names: c.10931A>G, p.Tyr3644Cys (NM_001080463.2); short protein forms Y3644C, Y3637C.
Identifiers: ClinVar variation 2606517 (VCV002606517.4), dbSNP rs375426776, ClinGen allele CA6255114.
Genomic context (GRCh38, chr11:103,286,274, plus strand): 5'-TTGCTTATAGCTCACTGTATATGGCCATTTTTATTTTTTAGATTGCTCTCCCCAGTCTTT[A>G]TCAGACCCTCTGCTTTGAAGATGCAGCTCTGTGGCGTACTTATTATAATAATTCAATGTG-3'
Protein context (NP_001368.2, residues 3627-3647): ATLKIALPSL[Tyr3637Cys]QTLCFEDAAL

ClinVar aggregate classification (germline): Uncertain significance. Review status: criteria provided, multiple submitters, no conflicts (2 of 4 stars). 2 submissions from 2 submitters: Uncertain significance (2). Last evaluated 2026-01-05.

Conditions:
Inborn genetic diseases. Identifiers: MedGen C0950123, MeSH D030342.
Jeune thoracic dystrophy. Also called: Short-rib thoracic dysplasia; Jeune syndrome; Infantile thoracic dystrophy; Thoracic pelvic phalangeal dystrophy; Jeune's syndrome; Chondroectodermal dysplasia-like syndrome. Identifiers: Orphanet 474, MedGen C0265275, MONDO:0018770.

Allele frequency attached by ClinVar (database versions not stated): ExAC 0.00001; gnomAD 0.00001; gnomAD exomes 0.00002; TOPMed 0.00002; ESP Exome Variant Server 0.00008.
gnomAD v4.1: 11 of 1,613,634 alleles (0.00068%); highest among the groups gnomAD compares: Non-Finnish European, 0.00093%; no homozygotes.

Submissions (2):

Labcorp Genetics (formerly Invitae), Labcorp
Classification: Uncertain significance for Jeune thoracic dystrophy. Last evaluated: 2026-01-05. Review status: criteria provided, single submitter. Criteria: Invitae Variant Classification Sherloc (09022015). Collection method: clinical testing. Allele origin: germline.
Comment: This sequence change replaces tyrosine, which is neutral and polar, with cysteine, which is neutral and slightly polar, at codon 3644 of the DYNC2H1 protein (p.Tyr3644Cys). This variant is present in population databases (rs375426776, gnomAD 0.0009%). This variant has not been reported in the literature in individuals affected with DYNC2H1-related conditions. ClinVar contains an entry for this variant (Variation ID: 2606517). Invitae Evidence Modeling of protein sequence and biophysical properties (such as structural, functional, and spatial information, amino acid conservation, physicochemical variation, residue mobility, and thermodynamic stability) has been performed for this missense variant. However, the output from this modeling did not meet the statistical confidence thresholds required to predict the impact of this variant on DYNC2H1 protein function. In summary, the available evidence is currently insufficient to determine the role of this variant in disease. Therefore, it has been classified as a Variant of Uncertain Significance.

Ambry Genetics
Classification: Uncertain significance for Inborn genetic diseases. Last evaluated: 2023-06-26. Review status: criteria provided, single submitter. Criteria: Ambry Variant Classification Scheme 2023. Collection method: clinical testing. Allele origin: germline.